The following is an entry in ClinVar:

ClinVar aggregate classification (germline): Uncertain significance. Review status: criteria provided, multiple submitters, no conflicts (2 of 4 stars). 2 submissions from 2 submitters: Uncertain significance (2). Last evaluated 2025-03-25.

Conditions:
Inborn genetic diseases. Identifiers: MedGen C0950123, MeSH D030342.

gnomAD v4.1: 6 of 1,611,356 alleles (0.00037%); highest among the groups gnomAD compares: Admixed American, 0.0017%; no homozygotes.

Submissions (2):

Ambry Genetics
Classification: Uncertain significance for Inborn genetic diseases. Last evaluated: 2025-03-25. Review status: criteria provided, single submitter. Criteria: Ambry Variant Classification Scheme 2023. Collection method: clinical testing. Allele origin: germline.

Labcorp Genetics (formerly Invitae), Labcorp
Classification: Uncertain significance. Last evaluated: 2024-04-08. Review status: criteria provided, single submitter. Criteria: Invitae Variant Classification Sherloc (09022015). Collection method: clinical testing. Allele origin: germline.
Comment: This sequence change replaces arginine, which is basic and polar, with cysteine, which is neutral and slightly polar, at codon 2113 of the CACNA1E protein (p.Arg2113Cys). This variant is not present in population databases (gnomAD no frequency). This variant has not been reported in the literature in individuals affected with CACNA1E-related conditions. Advanced modeling of protein sequence and biophysical properties (such as structural, functional, and spatial information, amino acid conservation, physicochemical variation, residue mobility, and thermodynamic stability) has been performed at Invitae for this missense variant, however the output from this modeling did not meet the statistical confidence thresholds required to predict the impact of this variant on CACNA1E protein function. In summary, the available evidence is currently insufficient to determine the role of this variant in disease. Therefore, it has been classified as a Variant of Uncertain Significance.

NM_001205293.3(CACNA1E):c.6466C>T (p.Arg2156Cys)

Gene: CACNA1E (calcium voltage-gated channel subunit alpha1 E; plus strand). Cytogenetic location: 1q25.3.
Variant type: single nucleotide variant.
Coding change: c.6466C>T on transcript NM_001205293.3 (MANE Select); coding-DNA position 6466, C replaced by T.
Protein change: p.Arg2156Cys; replaces arginine 2156 with cysteine.
Molecular consequence: missense variant.
Genome position (GRCh38, 1-based): chr1:181,798,358, C>T. VCF-style: chr1-181798358-C-T. GRCh37 (hg19) VCF-style: chr1-181767494-C-T.
Other names: c.6466C>T (NM_001205293.1); c.6337C>T, p.Arg2113Cys (NM_000721.4); c.6280C>T, p.Arg2094Cys (NM_001205294.2); short protein forms R2113C, R2094C, R2156C.
Identifiers: ClinVar variation 2984528 (VCV002984528.4), dbSNP rs528317539, ClinGen allele CA343844857.